The following is an entry in ClinVar:

ClinVar aggregate classification (germline): Conflicting classifications of pathogenicity. Review status: criteria provided, conflicting classifications (1 of 4 stars). 2 submissions from 2 submitters: Uncertain significance (1); Likely benign (1). Last evaluated 2025-09-16.

Conditions:
Cardiovascular phenotype. Identifiers: MedGen CN230736.

Allele frequency attached by ClinVar (database versions not stated): ExAC 0.00001; gnomAD 0.00002; gnomAD exomes 0.00002; TOPMed 0.00003.
gnomAD v4.1: 57 of 1,614,024 alleles (0.0035%); highest among the groups gnomAD compares: Non-Finnish European, 0.0047%; no homozygotes.

Submissions (2):

Ambry Genetics
Classification: Uncertain significance for Cardiovascular phenotype. Last evaluated: 2025-09-16. Review status: criteria provided, single submitter. Criteria: Ambry Variant Classification Scheme 2023. Collection method: clinical testing. Allele origin: germline.
Comment: The c.-1G>C variant is located in the 5' untranslated region (5&rsquo; UTR) of the TTR gene. This variant results from a G to C substitution 1 base upstream from the first translated codon. This nucleotide position is not well conserved in available vertebrate species. Since supporting evidence is limited at this time, the clinical significance of this alteration remains unclear.

Women's Health and Genetics/Laboratory Corporation of America, LabCorp
Classification: Likely benign. Last evaluated: 2025-07-21. Review status: criteria provided, single submitter. Criteria: LabCorp Variant Classification Summary - May 2015. Collection method: clinical testing. Allele origin: germline.
Comment: Variant summary: TTR c.-1G>C is located in the untranslated mRNA region upstream of the initiation codon. The variant allele was found at a frequency of 3.5e-05 in 1607028 control chromosomes, predominantly at a frequency of 4.7e-05 within the Non-Finnish European subpopulation in the gnomAD database. The observed variant frequency within Non-Finnish European control individuals in the gnomAD database is approximately 1.5-fold of the estimated maximal expected allele frequency for a pathogenic variant in TTR causing Transthyretin Amyloidosis phenotype (3.1e-05). To our knowledge, no occurrence of c.-1G>C in individuals affected with Transthyretin Amyloidosis and no experimental evidence demonstrating its impact on protein function have been reported. ClinVar contains an entry for this variant (Variation ID: 495839). Based on the evidence outlined above, the variant was classified as likely benign.

NM_000371.4(TTR):c.-1G>C

Gene: TTR (transthyretin; plus strand). Cytogenetic location: 18q12.1.
Variant type: single nucleotide variant.
Coding change: c.-1G>C on transcript NM_000371.4 (MANE Select); 1 bases upstream of the start codon, G replaced by C.
Molecular consequence: 5 prime UTR variant.
Genome position (GRCh38, 1-based): chr18:31,591,902, G>C. VCF-style: chr18-31591902-G-C. GRCh37 (hg19) VCF-style: chr18-29171865-G-C.
Identifiers: ClinVar variation 495839 (VCV000495839.5), dbSNP rs769343676, ClinGen allele CA8928373.